The following is an entry in ClinVar:

NM_000195.5(HPS1):c.2065C>T (p.Arg689Trp)

Gene: HPS1 (HPS1 biogenesis of lysosomal organelles complex 3 subunit 1; minus strand). Cytogenetic location: 10q24.2.
Variant type: single nucleotide variant.
Coding change: c.2065C>T on transcript NM_000195.5 (MANE Select); coding-DNA position 2065, C replaced by T.
Protein change: p.Arg689Trp; replaces arginine 689 with tryptophan.
Molecular consequence: missense variant.
Genome position (GRCh38, 1-based): chr10:98,417,602, G>A on the plus strand (C>T on the coding strand, the complement: HPS1 is on the minus strand). VCF-style: chr10-98417602-G-A. GRCh37 (hg19) VCF-style: chr10-100177359-G-A.
Other names: c.1093C>T, p.Arg365Trp (NM_001311345.2, NM_001322487.2, NM_001322489.2); c.2065C>T, p.Arg689Trp (NM_001322476.2, NM_001322477.2); c.1966C>T, p.Arg656Trp (NM_001322478.2, NM_001322479.2); c.1804C>T, p.Arg602Trp (NM_001322480.2, NM_001322481.2); c.1705C>T, p.Arg569Trp (NM_001322482.2); c.1696C>T, p.Arg566Trp (NM_001322483.2, NM_001322484.2); c.1597C>T, p.Arg533Trp (NM_001322485.2); short protein forms R689W, R566W, R602W, R365W, R533W, R569W, R656W.
Identifiers: ClinVar variation 298334 (VCV000298334.20), dbSNP rs3830014, ClinGen allele CA5638793.

ClinVar aggregate classification (germline): Conflicting classifications of pathogenicity. Review status: criteria provided, conflicting classifications (1 of 4 stars). 6 submissions from 6 submitters: Uncertain significance (3); Likely benign (1). 2 of the submissions do not count toward it. Last evaluated 2026-01-16.

Conditions:
HPS1-related disorder. Also called: HPS1-related condition.
Hermansky-Pudlak syndrome (HPS). Also called: ALBINISM WITH HEMORRHAGIC DIATHESIS AND PIGMENTED RETICULOENDOTHELIAL CELLS. Identifiers: Orphanet 79430, MedGen C0079504, MONDO:0019312.
Inborn genetic diseases. Identifiers: MedGen C0950123, MeSH D030342.
Hermansky-Pudlak syndrome 1 (HPS1). Also called: DELTA STORAGE POOL DISEASE. Identifiers: Orphanet 231500, Orphanet 79430, MedGen C2931875, MONDO:0008748, OMIM 203300.

Allele frequency attached by ClinVar (database versions not stated): gnomAD 0.00009 and 0.00019; gnomAD exomes 0.00010 and 0.00022; TOPMed 0.00019; ExAC 0.00020; 1000 Genomes Project 30x 0.00062; 1000 Genomes Project 0.00080.
gnomAD v4.1: 176 of 1,612,326 alleles (0.011%); highest among the groups gnomAD compares: East Asian, 0.21%; 1 homozygote.

Submissions (6):

Labcorp Genetics (formerly Invitae), Labcorp
Classification: Likely benign. Last evaluated: 2026-01-16. Review status: criteria provided, single submitter. Criteria: Invitae Variant Classification Sherloc (09022015). Collection method: clinical testing. Allele origin: germline.

Blueprint Genetics
Classification: Uncertain significance. Last evaluated: 2024-11-07. Review status: criteria provided, single submitter. Criteria: ACMG Guidelines, 2015. Collection method: clinical testing. Allele origin: germline.

Ambry Genetics
Classification: Uncertain significance for Inborn genetic diseases. Last evaluated: 2022-05-11. Review status: criteria provided, single submitter. Criteria: Ambry Variant Classification Scheme 2023. Collection method: clinical testing. Allele origin: germline.

Illumina Laboratory Services, Illumina
Classification: Uncertain significance for Hermansky-Pudlak syndrome 1. Last evaluated: 2018-01-13. Review status: criteria provided, single submitter. Criteria: ICSL Variant Classification Criteria 13 December 2019. Collection method: clinical testing. Allele origin: germline.

PreventionGenetics, part of Exact Sciences
Classification: Likely benign for HPS1-related condition. Last evaluated: 2024-02-23. Review status: no assertion criteria provided. Collection method: clinical testing. Allele origin: germline. Not counted in ClinVar's aggregate classification.
Comment: This variant is classified as likely benign based on ACMG/AMP sequence variant interpretation guidelines (Richards et al. 2015 PMID: 25741868, with internal and published modifications).

Natera, Inc.
Classification: Uncertain significance for Hermansky-Pudlak syndrome. Last evaluated: 2020-04-10. Review status: no assertion criteria provided. Collection method: clinical testing. Allele origin: germline. Not counted in ClinVar's aggregate classification.